The following is an entry in ClinVar:

ClinVar aggregate classification (germline): Likely benign. Review status: criteria provided, multiple submitters, no conflicts (2 of 4 stars). 3 submissions from 3 submitters: Likely benign (3). Last evaluated 2024-11-11.

Conditions:
PHYH-related disorder. Also called: PHYH-related condition.

Allele frequency attached by ClinVar (database versions not stated): gnomAD exomes below 0.00001; gnomAD 0.00001; TOPMed 0.00002; ExAC 0.00004.
gnomAD v4.1: 8 of 1,613,862 alleles (0.0005%); highest among the groups gnomAD compares: East Asian, 0.018%; no homozygotes.

Submissions (3):

PreventionGenetics, part of Exact Sciences
Classification: Likely benign for PHYH-related condition. Last evaluated: 2024-11-11. Review status: criteria provided, single submitter. Criteria: ACMG Guidelines, 2015. Collection method: clinical testing. Allele origin: germline.
Comment: This variant is classified as likely benign based on ACMG/AMP sequence variant interpretation guidelines (Richards et al. 2015 PMID: 25741868, with internal and published modifications).

Labcorp Genetics (formerly Invitae), Labcorp
Classification: Likely benign. Last evaluated: 2024-05-07. Review status: criteria provided, single submitter. Criteria: Invitae Variant Classification Sherloc (09022015). Collection method: clinical testing. Allele origin: germline.

Blueprint Genetics
Classification: Likely benign. Last evaluated: 2023-03-02. Review status: criteria provided, single submitter. Criteria: ACMG Guidelines, 2015. Collection method: clinical testing. Allele origin: germline.

NM_006214.4(PHYH):c.330A>G (p.Glu110=)

Gene: PHYH (phytanoyl-CoA 2-hydroxylase; minus strand). Cytogenetic location: 10p13.
Variant type: single nucleotide variant.
Coding change: c.330A>G on transcript NM_006214.4 (MANE Select); coding-DNA position 330, A replaced by G.
Protein change: p.Glu110=; no amino-acid change (glutamic acid 110 retained).
Molecular consequence: synonymous variant.
Genome position (GRCh38, 1-based): chr10:13,294,512, T>C on the plus strand (A>G on the coding strand, the complement: PHYH is on the minus strand). VCF-style: chr10-13294512-T-C. GRCh37 (hg19) VCF-style: chr10-13336512-T-C.
Other names: c.330A>G (NM_006214.3); c.30A>G, p.Glu10= (NM_001037537.2, NM_001323080.2, NM_001323084.2); c.330A>G, p.Glu110= (NM_001323082.2, NM_001323083.2).
Identifiers: ClinVar variation 3017991 (VCV003017991.5), dbSNP rs763262037, ClinGen allele CA5412413.